The following is an entry in ClinVar:

NM_014629.4(ARHGEF10):c.3665C>A (p.Ala1222Glu)

Gene: ARHGEF10 (Rho guanine nucleotide exchange factor 10; plus strand). Cytogenetic location: 8p23.3.
Variant type: single nucleotide variant.
Coding change: c.3665C>A on transcript NM_014629.4 (MANE Select); coding-DNA position 3665, C replaced by A.
Protein change: p.Ala1222Glu; replaces alanine 1222 with glutamic acid.
Molecular consequence: missense variant.
Genome position (GRCh38, 1-based): chr8:1,956,893, C>A. VCF-style: chr8-1956893-C-A. GRCh37 (hg19) VCF-style: chr8-1905059-C-A.
Other names: c.3551C>A, p.Ala1184Glu (NM_001308152.2); c.3665C>A, p.Ala1222Glu (NM_001308153.3); short protein forms A1184E, A1222E, A1246E.
Identifiers: ClinVar variation 2891322 (VCV002891322.4), dbSNP rs145146038, ClinGen allele CA4601456.

ClinVar aggregate classification (germline): Uncertain significance. Review status: criteria provided, multiple submitters, no conflicts (2 of 4 stars). 2 submissions from 2 submitters: Uncertain significance (2). Last evaluated 2025-11-13.

Allele frequency attached by ClinVar (database versions not stated): ESP Exome Variant Server 0.00031; ExAC 0.00016; 1000 Genomes Project 30x 0.00047; TOPMed 0.00051; 1000 Genomes Project 0.00040; gnomAD 0.00046.
gnomAD v4.1: 125 of 1,614,052 alleles (0.0077%); highest among the groups gnomAD compares: African/African-American, 0.16%; no homozygotes.

Submissions (2):

Ambry Genetics
Classification: Uncertain significance. Last evaluated: 2025-11-13. Review status: criteria provided, single submitter. Criteria: Ambry Variant Classification Scheme 2023. Collection method: clinical testing. Allele origin: germline.

Labcorp Genetics (formerly Invitae), Labcorp
Classification: Uncertain significance. Last evaluated: 2025-08-18. Review status: criteria provided, single submitter. Criteria: Invitae Variant Classification Sherloc (09022015). Collection method: clinical testing. Allele origin: germline.
Comment: This sequence change replaces alanine, which is neutral and non-polar, with glutamic acid, which is acidic and polar, at codon 1222 of the ARHGEF10 protein (p.Ala1222Glu). This variant is present in population databases (rs145146038, gnomAD 0.2%), and has an allele count higher than expected for a pathogenic variant. This variant has not been reported in the literature in individuals affected with ARHGEF10-related conditions. ClinVar contains an entry for this variant (Variation ID: 2891322). An algorithm developed to predict the effect of missense changes on protein structure and function (PolyPhen-2) suggests that this variant is likely to be tolerated. In summary, the available evidence is currently insufficient to determine the role of this variant in disease. Therefore, it has been classified as a Variant of Uncertain Significance.